The following is an entry in ClinVar:

ClinVar aggregate classification (germline): Uncertain significance (1 of 4 stars; one submission).

Conditions:
Camptomelic dysplasia (CMPD). Also called: CMPD1/SRA1; Campomelic Dysplasia. Identifiers: Orphanet 140, MedGen C1861922, MONDO:0007251, OMIM 114290.

Allele frequency attached by ClinVar (database versions not stated): gnomAD exomes below 0.00001; gnomAD 0.00001.
gnomAD v4.1: 3 of 1,612,762 alleles (0.00019%); highest among the groups gnomAD compares: African/African-American, 0.004%; no homozygotes.

Submission:

Labcorp Genetics (formerly Invitae), Labcorp
Classification: Uncertain significance for Camptomelic dysplasia. Last evaluated: 2022-05-19. Review status: criteria provided, single submitter. Criteria: Invitae Variant Classification Sherloc (09022015). Collection method: clinical testing. Allele origin: germline.
Comment: In summary, the available evidence is currently insufficient to determine the role of this variant in disease. Therefore, it has been classified as a Variant of Uncertain Significance. Advanced modeling of protein sequence and biophysical properties (such as structural, functional, and spatial information, amino acid conservation, physicochemical variation, residue mobility, and thermodynamic stability) performed at Invitae indicates that this missense variant is not expected to disrupt SOX9 protein function. ClinVar contains an entry for this variant (Variation ID: 1034865). This variant has not been reported in the literature in individuals affected with SOX9-related conditions. The frequency data for this variant in the population databases is considered unreliable, as metrics indicate poor data quality at this position in the gnomAD database. This sequence change replaces glycine, which is neutral and non-polar, with alanine, which is neutral and non-polar, at codon 20 of the SOX9 protein (p.Gly20Ala).

NM_000346.4(SOX9):c.59G>C (p.Gly20Ala)

Genes: SOX9 (SRY-box transcription factor 9; plus strand), LOC108021846 (SOX9 promoter region; plus strand). Cytogenetic location: 17q24.3.
Variant type: single nucleotide variant.
Coding change: c.59G>C on transcript NM_000346.4 (MANE Select); coding-DNA position 59, G replaced by C.
Protein change: p.Gly20Ala; replaces glycine 20 with alanine.
Molecular consequence: missense variant.
Genome position (GRCh38, 1-based): chr17:72,121,450, G>C. VCF-style: chr17-72121450-G-C. GRCh37 (hg19) VCF-style: chr17-70117591-G-C.
Other names: short protein forms G20A.
Identifiers: ClinVar variation 1034865 (VCV001034865.9), dbSNP rs1276160255, ClinGen allele CA400865427.